The following is an entry in ClinVar:

NM_001371986.1(UNC80):c.3874G>A (p.Gly1292Arg)

Gene: UNC80 (unc-80 homolog, NALCN channel complex subunit; plus strand). Cytogenetic location: 2q34.
Variant type: single nucleotide variant.
Coding change: c.3874G>A on transcript NM_001371986.1 (MANE Select); coding-DNA position 3874, G replaced by A.
Protein change: p.Gly1292Arg; replaces glycine 1292 with arginine.
Molecular consequence: missense variant.
Genome position (GRCh38, 1-based): chr2:209,877,987, G>A. VCF-style: chr2-209877987-G-A. GRCh37 (hg19) VCF-style: chr2-210742711-G-A.
Other names: c.3880G>A, p.Gly1294Arg (NM_032504.2); c.3865G>A, p.Gly1289Arg (NM_182587.4); short protein forms G1294R, G1289R, G1292R.
Identifiers: ClinVar variation 1901718 (VCV001901718.2), dbSNP rs1378037500, ClinGen allele CA350744975.

ClinVar aggregate classification (germline): Uncertain significance (1 of 4 stars; one submission).

Allele frequency attached by ClinVar (database versions not stated): gnomAD 0.00001; gnomAD exomes 0.00001.
gnomAD v4.1: 18 of 1,541,344 alleles (0.0012%); highest among the groups gnomAD compares: Middle Eastern, 0.017%; no homozygotes.

Submission:

Labcorp Genetics (formerly Invitae), Labcorp
Classification: Uncertain significance. Last evaluated: 2022-08-22. Review status: criteria provided, single submitter. Criteria: Invitae Variant Classification Sherloc (09022015). Collection method: clinical testing. Allele origin: germline.
Comment: This sequence change replaces glycine, which is neutral and non-polar, with arginine, which is basic and polar, at codon 1294 of the UNC80 protein (p.Gly1294Arg). The frequency data for this variant in the population databases is considered unreliable, as metrics indicate poor data quality at this position in the gnomAD database. This variant has not been reported in the literature in individuals affected with UNC80-related conditions. Algorithms developed to predict the effect of missense changes on protein structure and function are either unavailable or do not agree on the potential impact of this missense change (SIFT: "Not Available"; PolyPhen-2: "Benign"; Align-GVGD: "Not Available"). In summary, the available evidence is currently insufficient to determine the role of this variant in disease. Therefore, it has been classified as a Variant of Uncertain Significance.